The following is an entry in ClinVar:

NM_025009.5(CEP135):c.2276dup (p.Asn759fs)

Gene: CEP135 (centrosomal protein 135; plus strand). Cytogenetic location: 4q12.
Variant type: Duplication.
Coding change: c.2276dup on transcript NM_025009.5 (MANE Select); coding-DNA position 2276, one base duplicated (A; older notation c.2276dupA).
Protein change: p.Asn759fs; shifts the reading frame from asparagine 759.
Molecular consequence: frameshift variant.
Genome position (GRCh38, 1-based): chr4:55,999,641, A duplicated; the last of 2 consecutive A bases (chr4:55,999,640-55,999,641); duplicating either gives the same sequence. VCF-style (leftmost placement, unchanged base first): chr4-55999639-T-TA. GRCh37 (hg19) VCF-style: chr4-56865805-T-TA.
Other names: c.2276dupA (NM_025009.4); short protein forms N759fs.
Identifiers: ClinVar variation 503969 (VCV000503969.2), dbSNP rs1553893104, ClinGen allele CA658796445.
Genomic context (GRCh38, chr4:55,999,639, plus strand): 5'-TCTCCAGGAGACTGTAGATGAGAAGACAGAAAAGATTGCAAATTTGCAAGAAAACCTAGC[T>TA]AATAAAGTATGTGATCGTTTAATGTAATTTTCCAGCATCCAAACAGAACAGTTTTTTTTG-3'

ClinVar aggregate classification (germline): Likely pathogenic (1 of 4 stars; one submission).

Submission:

GeneDx
Classification: Likely pathogenic. Last evaluated: 2017-12-29. Review status: criteria provided, single submitter. Criteria: GeneDx Variant Classification (06012015). Collection method: clinical testing. Allele origin: germline. Affected: yes.
Comment: The c.2276dupA variant in the CEP135 gene has not been reported previously as a pathogenic variant nor as a benign variant, to our knowledge. The c.2276dupA variant causes a frameshift starting with codon Asparagine 759, changes this amino acid to a Lysine residue, and creates a premature Stop codon at position 2 of the new reading frame, denoted p.Asn759LysfsX2. This variant is predicted to cause loss of normal protein function either through protein truncation or nonsense-mediated mRNA decay. The c.2276dupA variant is not observed in large population cohorts (Lek et al., 2016). We interpret c.2276dupA as a likely pathogenic variant.